The following is an entry in ClinVar:

ClinVar aggregate classification (germline): Benign. Review status: criteria provided, single submitter (1 of 4 stars). 2 submissions from 2 submitters: Benign (1). 1 of the submissions does not count toward it. Last evaluated 2022-05-04.

Conditions:
Atransferrinemia. Also called: Familial hypotransferrinemia. Identifiers: Orphanet 1195, MedGen C0521802, MONDO:0008846, OMIM 209300, HP:0012239.

Allele frequency attached by ClinVar (database versions not stated): gnomAD 0.01036 and 0.01085; TOPMed 0.01145; 1000 Genomes Project 0.01458; 1000 Genomes Project 30x 0.01546; gnomAD exomes 0.00098; ESP Exome Variant Server 0.01254.

Submissions (2):

Mendelics
Classification: Benign. Last evaluated: 2022-05-04. Review status: criteria provided, single submitter. Criteria: Mendelics Assertion Criteria 2019. Collection method: clinical testing. Allele origin: germline.

Biochemistry Laboratory, Bechir Hamza Children's Hospital
Classification: Likely pathogenic for Atransferrinemia. Last evaluated: 2019-11-14. Review status: no assertion criteria provided. Collection method: research. Allele origin: inherited. Inheritance: Autosomal recessive inheritance. Affected: yes. Observed: 1 homozygote. Not counted in ClinVar's aggregate classification.
Comment: The history of the disease goes back to the neonatal period when the proband had been suffering from severe hypochromic anemia. The absence of the detected novel substitution in the general Tunisian population was verified by investigating a group of many healthy unrelated control individuals. Additionally, in silico studies indicate that this deletion is predicted to generate a higher score cryptic branch point leading to the production of an altered mRNA molecule. In summary, This intronic variant meets our criteria to be classified as Likely pathogenic based upon bioinformatics analyses, absence from controls, and conservation of wild type allele across various vertebrate species .

NM_001063.4(TF):c.1623-63del

Gene: TF (transferrin; plus strand). Cytogenetic location: 3q22.1.
Variant type: Deletion.
Coding change: c.1623-63del on transcript NM_001063.4 (MANE Select); 63 bases into the intron before coding-DNA position 1623, one base deleted (T; older notation c.1623-63delT).
Molecular consequence: intron variant.
Genome position (GRCh38, 1-based): chr3:133,770,445, T deleted. VCF-style (leftmost placement, unchanged base first): chr3-133770444-CT-C. GRCh37 (hg19) VCF-style: chr3-133489288-CT-C.
Other names: c.1491-63del (NM_001354703.2); c.1242-63del (NM_001354704.2).
Identifiers: ClinVar variation 694735 (VCV000694735.4), dbSNP rs8177291, ClinGen allele CA83688384.
Genomic context (GRCh38, chr3:133,770,444, plus strand): 5'-TAGAATGGAAGTTACAGTTGCTGTTTTCAGATGGCTGTCCTGAATCTATAAGGTAGCCCC[CT>C]GAATGACAGATAAGTCACTCTGACCGCCTTTTTTTTTCTCTCCCACTTCTGGACCTCTGC-3'